The following is an entry in ClinVar:

NM_000287.4(PEX6):c.924C>T (p.Ser308=)

Gene: PEX6 (peroxisomal biogenesis factor 6; minus strand). Cytogenetic location: 6p21.1.
Variant type: single nucleotide variant.
Coding change: c.924C>T on transcript NM_000287.4 (MANE Select); coding-DNA position 924, C replaced by T.
Protein change: p.Ser308=; no amino-acid change (serine 308 retained).
Molecular consequence: synonymous variant. On other transcripts: non-coding transcript variant (1).
Genome position (GRCh38, 1-based): chr6:42,974,997, G>A on the plus strand (C>T on the coding strand, the complement: PEX6 is on the minus strand). VCF-style: chr6-42974997-G-A. GRCh37 (hg19) VCF-style: chr6-42942735-G-A.
Other names: c.660C>T, p.Ser220= (NM_001316313.2); c.924C>T (NM_000287.3).
Identifiers: ClinVar variation 2421031 (VCV002421031.11), dbSNP rs2481258643, ClinGen allele CA450254718.

ClinVar aggregate classification (germline): Likely benign. Review status: criteria provided, single submitter (1 of 4 stars). 2 submissions from 2 submitters: Likely benign (1). 1 of the submissions does not count toward it. Last evaluated 2024-10-16.

Conditions:
PEX6-related disorder. Also called: PEX6-related condition; PEX6-related disorders.
Peroxisome biogenesis disorder. Identifiers: Orphanet 79189, MedGen C1832200, MONDO:0019234. Disease mechanism: loss of function.

Submissions (2):

Labcorp Genetics (formerly Invitae), Labcorp
Classification: Likely benign for Peroxisome biogenesis disorder. Last evaluated: 2024-10-16. Review status: criteria provided, single submitter. Criteria: Invitae Variant Classification Sherloc (09022015). Collection method: clinical testing. Allele origin: germline.

PreventionGenetics, part of Exact Sciences
Classification: Likely benign for PEX6-related condition. Last evaluated: 2023-06-13. Review status: no assertion criteria provided. Collection method: clinical testing. Allele origin: germline. Not counted in ClinVar's aggregate classification.
Comment: This variant is classified as likely benign based on ACMG/AMP sequence variant interpretation guidelines (Richards et al. 2015 PMID: 25741868, with internal and published modifications).